The following is an entry in ClinVar:

ClinVar aggregate classification (germline): Uncertain significance. Review status: criteria provided, multiple submitters, no conflicts (2 of 4 stars). 2 submissions from 2 submitters: Uncertain significance (2). Last evaluated 2025-08-26.

gnomAD v4.1: 2 of 1,614,126 alleles (0.00012%); highest among the groups gnomAD compares: Non-Finnish European, 0.00017%; no homozygotes.

Submissions (2):

Ambry Genetics
Classification: Uncertain significance. Last evaluated: 2025-08-26. Review status: criteria provided, single submitter. Criteria: Ambry Variant Classification Scheme 2023. Collection method: clinical testing. Allele origin: germline.

Labcorp Genetics (formerly Invitae), Labcorp
Classification: Uncertain significance. Last evaluated: 2025-04-10. Review status: criteria provided, single submitter. Criteria: Invitae Variant Classification Sherloc (09022015). Collection method: clinical testing. Allele origin: germline.
Comment: This sequence change replaces aspartic acid, which is acidic and polar, with histidine, which is basic and polar, at codon 399 of the ATRIP protein (p.Asp399His). This variant is present in population databases (rs374974756, gnomAD 0.002%). This variant has not been reported in the literature in individuals affected with ATRIP-related conditions. ClinVar contains an entry for this variant (Variation ID: 3463945). An algorithm developed to predict the effect of missense changes on protein structure and function (PolyPhen-2) suggests that this variant is likely to be disruptive. In summary, the available evidence is currently insufficient to determine the role of this variant in disease. Therefore, it has been classified as a Variant of Uncertain Significance.

NM_130384.3(ATRIP):c.1195G>C (p.Asp399His)

Genes: ATRIP (ATR interacting protein; plus strand), ATRIP-TREX1 (ATRIP-TREX1 readthrough; plus strand). Cytogenetic location: 3p21.31.
Variant type: single nucleotide variant.
Coding change: c.1195G>C on transcript NM_130384.3 (MANE Select); coding-DNA position 1195, G replaced by C.
Protein change: p.Asp399His; replaces aspartic acid 399 with histidine.
Molecular consequence: missense variant. On other transcripts: non-coding transcript variant (1).
Genome position (GRCh38, 1-based): chr3:48,460,249, G>C. VCF-style: chr3-48460249-G-C. GRCh37 (hg19) VCF-style: chr3-48501648-G-C.
Other names: c.814G>C, p.Asp272His (NM_001271022.2); c.916G>C, p.Asp306His (NM_001271023.2); c.1195G>C, p.Asp399His (NM_032166.4); short protein forms D306H, D272H, D399H.
Identifiers: ClinVar variation 3463945 (VCV003463945.3).